The following is an entry in ClinVar:

NM_003966.3(SEMA5A):c.2191T>A (p.Tyr731Asn)

Gene: SEMA5A (semaphorin 5A; minus strand). Cytogenetic location: 5p15.31.
Variant type: single nucleotide variant.
Coding change: c.2191T>A on transcript NM_003966.3 (MANE Select); coding-DNA position 2191, T replaced by A.
Protein change: p.Tyr731Asn; replaces tyrosine 731 with asparagine.
Molecular consequence: missense variant.
Genome position (GRCh38, 1-based): chr5:9,066,529, A>T on the plus strand (T>A on the coding strand, the complement: SEMA5A is on the minus strand). VCF-style: chr5-9066529-A-T. GRCh37 (hg19) VCF-style: chr5-9066641-A-T.
Other names: short protein forms Y731N.
Identifiers: ClinVar variation 4996219 (VCV004996219.1).

ClinVar aggregate classification (germline): Uncertain significance (1 of 4 stars; one submission).

Conditions:
SEMA5A-related disorder. Also called: SEMA5A-related condition.

Submission:

PreventionGenetics, part of Exact Sciences
Classification: Uncertain significance for SEMA5A-related condition. Last evaluated: 2025-10-27. Review status: criteria provided, single submitter. Criteria: ACMG Guidelines, 2015. Collection method: clinical testing. Allele origin: germline.
Comment: The SEMA5A c.2191T>A variant is predicted to result in the amino acid substitution p.Tyr731Asn. To our knowledge, this variant has not been reported in the literature or in a large population database (gnomAD), indicating this variant is rare. At this time, the clinical significance of this variant is uncertain due to the absence of conclusive functional and genetic evidence.